The following is an entry in ClinVar:

ClinVar aggregate classification (germline): Uncertain significance (1 of 4 stars; one submission).

Conditions:
Inborn genetic diseases. Identifiers: MedGen C0950123, MeSH D030342.

Submission:

Ambry Genetics
Classification: Uncertain significance for Inborn genetic diseases. Last evaluated: 2025-11-24. Review status: criteria provided, single submitter. Criteria: Ambry Variant Classification Scheme 2023. Collection method: clinical testing. Allele origin: germline.
Comment: The p.Q1366R variant (also known as c.4097A>G), located in coding exon 41 of the FANCA gene, results from an A to G substitution at nucleotide position 4097. The glutamine at codon 1366 is replaced by arginine, an amino acid with highly similar properties. This amino acid position is conserved. In addition, this alteration is predicted to be tolerated by in silico analysis. Based on the available evidence, the clinical significance of this variant remains unclear.

NM_000135.4(FANCA):c.4097A>G (p.Gln1366Arg)

Genes: FANCA (FA complementation group A; minus strand), ZNF276 (zinc finger protein 276; plus strand). Cytogenetic location: 16q24.3.
Variant type: single nucleotide variant.
Coding change: c.4097A>G on transcript NM_000135.4 (MANE Select); coding-DNA position 4097, A replaced by G.
Protein change: p.Gln1366Arg; replaces glutamine 1366 with arginine.
Molecular consequence: missense variant. On other transcripts: 3 prime UTR variant (2), non-coding transcript variant (4).
Genome position (GRCh38, 1-based): chr16:89,739,203, T>C on the plus strand (A>G on the coding strand, the complement: FANCA is on the minus strand). VCF-style: chr16-89739203-T-C. GRCh37 (hg19) VCF-style: chr16-89805611-T-C.
Other names: c.4097A>G, p.Gln1366Arg (NM_001286167.3); c.*957T>C (NM_001113525.2, NM_152287.4); short protein forms Q1366R.
Identifiers: ClinVar variation 4619289 (VCV004619289.1).